The following is an entry in ClinVar:

NM_001290060.2(SEMA3B):c.1330C>A (p.His444Asn)

Gene: SEMA3B (semaphorin 3B; plus strand). Cytogenetic location: 3p21.31.
Variant type: single nucleotide variant.
Coding change: c.1330C>A on transcript NM_001290060.2 (MANE Select); coding-DNA position 1330, C replaced by A.
Protein change: p.His444Asn; replaces histidine 444 with asparagine.
Molecular consequence: missense variant. On other transcripts: non-coding transcript variant (1).
Genome position (GRCh38, 1-based): chr3:50,274,555, C>A. VCF-style: chr3-50274555-C-A. GRCh37 (hg19) VCF-style: chr3-50311986-C-A.
Other names: c.1327C>A, p.His443Asn (NM_001005914.3); c.1345C>A, p.His449Asn (NM_001290061.1); c.301C>A, p.His101Asn (NM_001290062.2, NM_001290063.2); c.1330C>A, p.His444Asn (NM_004636.4); short protein forms H101N, H443N, H444N, H449N.
Identifiers: ClinVar variation 3055838 (VCV003055838.3), dbSNP rs143602808, ClinGen allele CA2414008.

ClinVar aggregate classification (germline): Likely benign (1 of 4 stars; one submission).

Conditions:
SEMA3B-related disorder. Also called: SEMA3B-related condition.

Allele frequency attached by ClinVar (database versions not stated): 1000 Genomes Project 0.00100; 1000 Genomes Project 30x 0.00125; ExAC 0.00188; gnomAD 0.00188; TOPMed 0.00224; ESP Exome Variant Server 0.00262; gnomAD exomes 0.00314.
gnomAD v4.1: 4,663 of 1,553,022 alleles (0.3%); highest among the groups gnomAD compares: Non-Finnish European, 0.37%; 13 homozygotes.

Submission:

PreventionGenetics, part of Exact Sciences
Classification: Likely benign for SEMA3B-related condition. Last evaluated: 2025-07-09. Review status: criteria provided, single submitter. Criteria: ACMG Guidelines, 2015. Collection method: clinical testing. Allele origin: germline.
Comment: This variant is classified as likely benign based on ACMG/AMP sequence variant interpretation guidelines (Richards et al. 2015 PMID: 25741868, with internal and published modifications).